The following is an entry in ClinVar:

NM_001374259.2(IL12RB2):c.2461G>A (p.Glu821Lys)

Gene: IL12RB2 (interleukin 12 receptor subunit beta 2; plus strand). Cytogenetic location: 1p31.3.
Variant type: single nucleotide variant.
Coding change: c.2461G>A on transcript NM_001374259.2 (MANE Select); coding-DNA position 2461, G replaced by A.
Protein change: p.Glu821Lys; replaces glutamic acid 821 with lysine.
Molecular consequence: missense variant. On other transcripts: 3 prime UTR variant (3), non-coding transcript variant (2).
Genome position (GRCh38, 1-based): chr1:67,395,961, G>A. VCF-style: chr1-67395961-G-A. GRCh37 (hg19) VCF-style: chr1-67861644-G-A.
Other names: c.*381G>A (NM_001258214.1, NM_001319233.1); c.2203G>A, p.Glu735Lys (NM_001258215.1); c.*362G>A (NM_001258216.1); c.2461G>A, p.Glu821Lys (NM_001559.3); c.2461G>A (NM_001559.2); short protein forms E821K, E735K.
Identifiers: ClinVar variation 1488667 (VCV001488667.10), dbSNP rs371557250, ClinGen allele CA900730.

ClinVar aggregate classification (germline): Uncertain significance. Review status: criteria provided, multiple submitters, no conflicts (2 of 4 stars). 3 submissions from 3 submitters: Uncertain significance (3). Last evaluated 2023-09-20.

Allele frequency attached by ClinVar (database versions not stated): ExAC 0.00001; gnomAD 0.00001 and 0.00002; gnomAD exomes 0.00001; TOPMed 0.00002; ESP Exome Variant Server 0.00008.
gnomAD v4.1: 9 of 1,609,424 alleles (0.00056%); highest among the groups gnomAD compares: Non-Finnish European, 0.0006%; no homozygotes.

Submissions (3):

Ambry Genetics
Classification: Uncertain significance. Last evaluated: 2023-09-20. Review status: criteria provided, single submitter. Criteria: Ambry Variant Classification Scheme 2023. Collection method: clinical testing. Allele origin: germline.

Labcorp Genetics (formerly Invitae), Labcorp
Classification: Uncertain significance. Last evaluated: 2023-01-21. Review status: criteria provided, single submitter. Criteria: Invitae Variant Classification Sherloc (09022015). Collection method: clinical testing. Allele origin: germline.
Comment: Algorithms developed to predict the effect of missense changes on protein structure and function are either unavailable or do not agree on the potential impact of this missense change (SIFT: "Deleterious"; PolyPhen-2: "Benign"; Align-GVGD: "Class C0"). ClinVar contains an entry for this variant (Variation ID: 1488667). This variant has not been reported in the literature in individuals affected with IL12RB2-related conditions. This variant is present in population databases (rs371557250, gnomAD 0.002%). This sequence change replaces glutamic acid, which is acidic and polar, with lysine, which is basic and polar, at codon 821 of the IL12RB2 protein (p.Glu821Lys). In summary, the available evidence is currently insufficient to determine the role of this variant in disease. Therefore, it has been classified as a Variant of Uncertain Significance.

Breakthrough Genomics
Classification: Uncertain significance. Review status: criteria provided, single submitter. Criteria: ACMG Guidelines, 2015. Collection method: not provided. Allele origin: germline. Inheritance: Unknown mechanism. Affected: yes.